The following is an entry in ClinVar:

NC_000001.11:g.(?_161819633)_(161821161_?)dup

Gene: ATF6 (activating transcription factor 6; plus strand). Cytogenetic location: 1q23.3.
Variant type: Duplication.
Identifiers: ClinVar variation 832449 (VCV000832449.5).

ClinVar aggregate classification (germline): Likely pathogenic (1 of 4 stars; one submission).

Submission:

Labcorp Genetics (formerly Invitae), Labcorp
Classification: Likely pathogenic. Last evaluated: 2019-07-27. Review status: criteria provided, single submitter. Criteria: Invitae Variant Classification Sherloc (09022015). Collection method: clinical testing. Allele origin: germline.
Comment: In summary, the currently available evidence indicates that the variant is pathogenic, but additional data are needed to prove that conclusively. Therefore, this variant has been classified as Likely Pathogenic. Loss-of-function variants in ATF6 are known to be pathogenic (PMID: 26029869, 26063662, 26070061). This variant has not been reported in the literature in individuals with ATF6-related conditions. This variant results in a copy number gain of the genomic region encompassing exons 8 to 9 of the ATF6 gene. While the exact position of this variant cannot be determined from this data, sub-genic copy number gains are generally in tandem (PMID: 25640679) and may result in an absent or disrupted protein product.

Literature cited by the submitters: PubMed 26029869; PubMed 26063662; PubMed 26070061; PubMed 25640679.